The following is an entry in ClinVar:

ClinVar aggregate classification (germline): Uncertain significance (0 of 4 stars; one submission).

Conditions:
TTC8-related disorder. Also called: TTC8-related condition.

Submission:

PreventionGenetics, part of Exact Sciences
Classification: Uncertain significance for TTC8-related condition. Last evaluated: 2024-07-10. Review status: no assertion criteria provided. Collection method: clinical testing. Allele origin: germline.
Comment: The TTC8 c.671A>T variant is predicted to result in the amino acid substitution p.Asn224Ile. To our knowledge, this variant has not been reported in the literature or in a large population database, indicating this variant is rare. At this time, the clinical significance of this variant is uncertain due to the absence of conclusive functional and genetic evidence.

NM_144596.4(TTC8):c.624+2824A>T

Gene: TTC8 (tetratricopeptide repeat domain 8; plus strand). Cytogenetic location: 14q31.3.
Variant type: single nucleotide variant.
Coding change: c.624+2824A>T on transcript NM_144596.4 (MANE Select); 2824 bases into the intron after coding-DNA position 624, A replaced by T.
Molecular consequence: intron variant. On other transcripts: missense variant (1).
Genome position (GRCh38, 1-based): chr14:88,846,674, A>T. VCF-style: chr14-88846674-A-T. GRCh37 (hg19) VCF-style: chr14-89313018-A-T.
Other names: c.671A>T, p.Asn224Ile (NM_001288781.1); c.30+5117A>T (NM_001288782.1); c.594+2824A>T (NM_198309.3, NM_001366535.2); c.-153-174A>T (NM_001288783.1); c.504+2824A>T (NM_198310.3, NM_001366536.2); short protein forms N224I.
Identifiers: ClinVar variation 3346263 (VCV003346263.1).